The following is an entry in ClinVar:

ClinVar aggregate classification (germline): Likely pathogenic (1 of 4 stars; one submission).

Submission:

GeneDx
Classification: Likely pathogenic. Last evaluated: 2017-10-19. Review status: criteria provided, single submitter. Criteria: GeneDx Variant Classification (06012015). Collection method: clinical testing. Allele origin: germline. Affected: yes.
Comment: The c.669+1 G>A variant in the ELOVL4 gene has not been reported previously as a pathogenic variant nor as a benign variant, to our knowledge. This splice site variant destroys the canonical splice donor site in intron 5. It is predicted to cause abnormal gene splicing, either leading to an abnormal message that is subject to nonsense-mediated mRNA decay, or to an abnormal protein product if the message is used for protein translation. The c.669+1 G>A variant is not observed in large population cohorts (Lek et al., 2016).

NM_022726.4(ELOVL4):c.669+1G>A

Gene: ELOVL4 (ELOVL fatty acid elongase 4; minus strand). Cytogenetic location: 6q14.1.
Variant type: single nucleotide variant.
Coding change: c.669+1G>A on transcript NM_022726.4 (MANE Select); the canonical splice donor site of the intron after coding-DNA position 669, G replaced by A.
Molecular consequence: splice donor variant.
Genome position (GRCh38, 1-based): chr6:79,919,419, C>T on the plus strand (G>A on the coding strand, the complement: ELOVL4 is on the minus strand). VCF-style: chr6-79919419-C-T. GRCh37 (hg19) VCF-style: chr6-80629136-C-T.
Identifiers: ClinVar variation 452923 (VCV000452923.2), dbSNP rs1554162178, ClinGen allele CA364656121.